The following is an entry in ClinVar:

ClinVar aggregate classification (germline): Pathogenic (1 of 4 stars; one submission).

Conditions:
Immunodeficiency, common variable, 2 (CVID2). Also called: HYPOGAMMAGLOBULINEMIA DUE TO TACI DEFICIENCY; ANTIBODY DEFICIENCY DUE TO TACI DEFECT. Identifiers: Orphanet 1572, MedGen C3150354, MONDO:0009413, OMIM 240500.

Submission:

Labcorp Genetics (formerly Invitae), Labcorp
Classification: Pathogenic for Immunodeficiency, common variable, 2. Last evaluated: 2025-09-29. Review status: criteria provided, single submitter. Criteria: Invitae Variant Classification Sherloc (09022015). Collection method: clinical testing. Allele origin: germline.
Comment: This sequence change creates a premature translational stop signal (p.Leu153Alafs*84) in the TNFRSF13B gene. While this is not anticipated to result in nonsense mediated decay, it is expected to disrupt the last 141 amino acid(s) of the TNFRSF13B protein. This variant is not present in population databases (gnomAD no frequency). This variant has not been reported in the literature in individuals affected with TNFRSF13B-related conditions. This variant disrupts a region of the TNFRSF13B protein in which other variant(s) (p.Ala181Glu) have been determined to be pathogenic (PMID: 16007086, 16007087, 20156508). This suggests that this is a clinically significant region of the protein, and that variants that disrupt it are likely to be disease-causing. For these reasons, this variant has been classified as Pathogenic.

Literature cited by the submitters: PubMed 16007086; PubMed 16007087; PubMed 20156508.

NM_012452.3(TNFRSF13B):c.452dup (p.Leu153fs)

Gene: TNFRSF13B (TNF receptor superfamily member 13B; minus strand). Cytogenetic location: 17p11.2.
Variant type: Duplication.
Coding change: c.452dup on transcript NM_012452.3 (MANE Select); coding-DNA position 452, one base duplicated (C; older notation c.452dupC).
Protein change: p.Leu153fs; shifts the reading frame from leucine 153.
Molecular consequence: frameshift variant.
Genome position (GRCh38, 1-based): chr17:16,940,505, G duplicated on the plus strand (C on the coding strand, the reverse complement: TNFRSF13B is on the minus strand); the first of 3 consecutive G bases (chr17:16,940,505-16,940,507); duplicating any one gives the same sequence. VCF-style (leftmost placement, unchanged base first): chr17-16940504-C-CG. GRCh37 (hg19) VCF-style: chr17-16843818-C-CG.
Other names: short protein forms L153fs.
Identifiers: ClinVar variation 4777067 (VCV004777067.1).